The following is an entry in ClinVar:

ClinVar aggregate classification (germline): Pathogenic (1 of 4 stars; one submission).

Submission:

Labcorp Genetics (formerly Invitae), Labcorp
Classification: Pathogenic. Last evaluated: 2022-09-27. Review status: criteria provided, single submitter. Criteria: Invitae Variant Classification Sherloc (09022015). Collection method: clinical testing. Allele origin: germline.
Comment: This sequence change inserts a large fragment of DNA, likely a transposable element, in exon 4 of the RP1 gene (c.2611_2612ins?), causing a frameshift at codon 871 (p.Lys871fs). The exact size and sequence of the insertion cannot be determined by the current assay. However, the insertion is expected to result in an absent or disrupted protein product. This variant is not present in population databases (gnomAD no frequency). For these reasons, this variant has been classified as Pathogenic. Retrotransposon insertions including LINE1 (L1), Alu, and SVA (SINE-VNTR-Alu) have been reported to disrupt protein function (PMID: 19763152, 20307669, 22406018). However the effect of this particular variant is unknown. This variant disrupts the C-terminus of the RP1 protein. Many variants that disrupt this region have been reported in individuals with either autosomal dominant or autosomal recessive retinitis pigmentosa (PMID: 11527933, 19933189, 29425069, 30027431, 33681214). Therefore, variants that disrupt this region are expected to be disease-causing. A similar variant has been observed in individual(s) with autosomal dominant retinitis pigmentosa (Invitae).

Literature cited by the submitters: PubMed 19763152; PubMed 20307669; PubMed 22406018; PubMed 11527933; PubMed 19933189; PubMed 29425069; PubMed 30027431; PubMed 33681214.

NM_006269.2(RP1):c.2611_2612insGAGAAAAGCAAAATGTCTATTCCGGTCTATTGCCTATTTTTTGAATTTGGATTTTGGTTTTCTTGCTATTGAGTTGTTTGAGTTCCTTATATATTTTGAGTAATAACNNNNNNNNNNAAAAAAAAAAAAAAAAAAAATAAAAAGCCAGAAAA (p.Lys871delinsArgGluLysGlnAsnValTyrSerGlyLeuLeuProIlePheTer)

Gene: RP1 (RP1 axonemal microtubule associated; plus strand). Cytogenetic location: 8q12.1.
Variant type: Insertion.
Coding change: c.2611_2612insGAGAAAAGCAAAATGTCTATTCCGGTCTATTGCCTATTTTTTGAATTTGGATTTTGGTTTTCTTGCTATTGAGTTGTTTGAGTTCCTTATATATTTTGAGTAATAACNNNNNNNNNNAAAAAAAAAAAAAAAAAAAATAAAAAGCCAGAAAA on transcript NM_006269.2 (MANE Select); coding-DNA positions 2611 to 2612, GAGAAAAGCAAAATGTCTATTCCGGTCTATTGCCTATTTTTTGAATTTGGATTTTGGTTTTCTTGCTATTGAGTTGTTTGAGTTCCTTATATATTTTGAGTAATAACNNNNNNNNNNAAAAAAAAAAAAAAAAAAAATAAAAAGCCAGAAAA inserted.
Protein change: p.Lys871delinsArgGluLysGlnAsnValTyrSerGlyLeuLeuProIlePheTer.
Molecular consequence: nonsense. On other transcripts: intron variant (1).
Genome position: GRCh38: chr8:54,626,493-54,626,494. GRCh37 (hg19): chr8:55,539,053-55,539,054.
Other names: c.787+4205_787+4206insGAGAAAAGCAAAATGTCTATTCCGGTCTATTGCCTATTTTTTGAATTTGGATTTTGGTTTTCTTGCTATTGAGTTGTTTGAGTTCCTTATATATTTTGAGTAATAACNNNNNNNNNNAAAAAAAAAAAAAAAAAAAATAAAAAGCCAGAAAA (NM_001375654.1).
Identifiers: ClinVar variation 1455278 (VCV001455278.8), dbSNP rs2129316713.